The following is an entry in ClinVar:

NM_004525.3(LRP2):c.3668-3T>A

Gene: LRP2 (LDL receptor related protein 2; minus strand). Cytogenetic location: 2q31.1.
Variant type: single nucleotide variant.
Coding change: c.3668-3T>A on transcript NM_004525.3 (MANE Select); 3 bases into the intron before coding-DNA position 3668, T replaced by A.
Molecular consequence: intron variant.
Genome position (GRCh38, 1-based): chr2:169,241,368, A>T on the plus strand (T>A on the coding strand, the complement: LRP2 is on the minus strand). VCF-style: chr2-169241368-A-T. GRCh37 (hg19) VCF-style: chr2-170097878-A-T.
Other names: c.3668-3T>A (NM_004525.2).
Identifiers: ClinVar variation 1311443 (VCV001311443.8), dbSNP rs754632512, ClinGen allele CA1954957.

ClinVar aggregate classification (germline): Uncertain significance. Review status: criteria provided, multiple submitters, no conflicts (2 of 4 stars). 4 submissions from 4 submitters: Uncertain significance (4). Last evaluated 2026-05-11.

Conditions:
LRP2-related disorder. Also called: LRP2-related condition.
Donnai-Barrow syndrome. Also called: DBS/FOAR SYNDROME; FACIOOCULOACOUSTICORENAL SYNDROME. Identifiers: Orphanet 2143, MedGen C1857277, MONDO:0009104, OMIM 222448.

Allele frequency attached by ClinVar (database versions not stated): ExAC 0.00001; gnomAD exomes 0.00002; TOPMed 0.00005; gnomAD 0.00009.
gnomAD v4.1: 20 of 1,614,016 alleles (0.0012%); highest among the groups gnomAD compares: African/African-American, 0.019%; no homozygotes.

Submissions (4):

PreventionGenetics, part of Exact Sciences
Classification: Uncertain significance for LRP2-related condition. Last evaluated: 2026-05-11. Review status: criteria provided, single submitter. Criteria: ACMG Guidelines, 2015. Collection method: clinical testing. Allele origin: germline.
Comment: The LRP2 c.3668-3T>A variant is predicted to interfere with splicing. This variant is predicted to impact splicing based on available splicing prediction programs (SpliceAI, Jaganathan et al. 2019. PubMed ID: 30661751). To our knowledge, this variant has not been reported in the literature. This variant is reported in 0.024% of alleles in individuals of African descent in gnomAD. At this time, the clinical significance of this variant is uncertain due to the absence of conclusive functional and genetic evidence.

Labcorp Genetics (formerly Invitae), Labcorp
Classification: Uncertain significance. Last evaluated: 2024-10-15. Review status: criteria provided, single submitter. Criteria: Invitae Variant Classification Sherloc (09022015). Collection method: clinical testing. Allele origin: germline.
Comment: This sequence change falls in intron 24 of the LRP2 gene. It does not directly change the encoded amino acid sequence of the LRP2 protein. It affects a nucleotide within the consensus splice site. This variant is present in population databases (rs754632512, gnomAD 0.02%). This variant has not been reported in the literature in individuals affected with LRP2-related conditions. ClinVar contains an entry for this variant (Variation ID: 1311443). Variants that disrupt the consensus splice site are a relatively common cause of aberrant splicing (PMID: 17576681, 9536098). Algorithms developed to predict the effect of sequence changes on RNA splicing suggest that this variant may disrupt the consensus splice site. In summary, the available evidence is currently insufficient to determine the role of this variant in disease. Therefore, it has been classified as a Variant of Uncertain Significance.

Fulgent Genetics
Classification: Uncertain significance for Donnai-Barrow syndrome. Last evaluated: 2022-02-16. Review status: criteria provided, single submitter. Criteria: ACMG Guidelines, 2015. Collection method: clinical testing. Allele origin: unknown.

GeneDx
Classification: Uncertain significance. Last evaluated: 2019-12-20. Review status: criteria provided, single submitter. Criteria: GeneDx Variant Classification Process June 2021. Collection method: clinical testing. Allele origin: germline. Affected: yes.
Comment: Has not been previously published as pathogenic or benign to our knowledge; In-silico analysis, which includes splice predictors and evolutionary conservation, is inconclusive as to whether the variant alters gene splicing. In the absence of RNA/functional studies, the actual effect of this sequence change is unknown.

Literature cited by the submitters: PubMed 17576681 (cited by Labcorp Genetics (formerly Invitae), Labcorp); PubMed 9536098 (cited by Labcorp Genetics (formerly Invitae), Labcorp).